The following is an entry in ClinVar:

NM_004287.5(GOSR2):c.369A>G (p.Ser123=)

Genes: LRRC37A2 (leucine rich repeat containing 37 member A2), GOSR2 (golgi SNAP receptor complex member 2; plus strand). Cytogenetic location: 17q21.32.
Variant type: single nucleotide variant.
Coding change: c.369A>G on transcript NM_004287.5 (MANE Select); coding-DNA position 369, A replaced by G.
Protein change: p.Ser123=; no amino-acid change (serine 123 retained).
Molecular consequence: synonymous variant. On other transcripts: non-coding transcript variant (1), intron variant (4).
Genome position (GRCh38, 1-based): chr17:46,935,061, A>G. VCF-style: chr17-46935061-A-G. GRCh37 (hg19) VCF-style: chr17-45012427-A-G.
Other names: c.369A>G, p.Ser123= (NM_001012511.3, NM_001321133.2, NM_054022.4); c.366A>G, p.Ser122= (NM_001353114.2); c.315A>G, p.Ser105= (NM_001363851.2); c.282+2862A>G (NM_001321134.2); c.336+2862A>G (NM_001330252.2); c.333+2862A>G (NM_001353115.2, NM_001353116.2); c.369A>G (NM_004287.4).
Identifiers: ClinVar variation 377930 (VCV000377930.14), dbSNP rs150381512, ClinGen allele CA8621284.

ClinVar aggregate classification (germline): Benign/Likely benign. Review status: criteria provided, multiple submitters, no conflicts (2 of 4 stars). 5 submissions from 5 submitters: Benign (1); Likely benign (4). Last evaluated 2026-01-12.

Conditions:
GOSR2-related disorder. Also called: GOSR2-related condition; GOSR2-related disorders.
Progressive myoclonic epilepsy. Also called: Myoclonic Epilepsies, Progressive; Familial progressive myoclonic epilepsy; Myoclonus epilepsy; Progressive myoclonus epilepsy. Identifiers: Orphanet 308, Orphanet 98261, MedGen C0751778, MONDO:0020074.
Inborn genetic diseases. Identifiers: MedGen C0950123, MeSH D030342.

Allele frequency attached by ClinVar (database versions not stated): gnomAD exomes 0.00006 and 0.00012; ExAC 0.00014; 1000 Genomes Project 30x 0.00047; TOPMed 0.00057; 1000 Genomes Project 0.00060; gnomAD 0.00060 and 0.00064; ESP Exome Variant Server 0.00062.
gnomAD v4.1: 191 of 1,612,066 alleles (0.012%); highest among the groups gnomAD compares: African/African-American, 0.22%; no homozygotes.

Submissions (5):

Labcorp Genetics (formerly Invitae), Labcorp
Classification: Likely benign for Progressive myoclonic epilepsy. Last evaluated: 2026-01-12. Review status: criteria provided, single submitter. Criteria: Invitae Variant Classification Sherloc (09022015). Collection method: clinical testing. Allele origin: germline.

PreventionGenetics, part of Exact Sciences
Classification: Likely benign for GOSR2-related condition. Last evaluated: 2025-11-20. Review status: criteria provided, single submitter. Criteria: ACMG Guidelines, 2015. Collection method: clinical testing. Allele origin: germline.
Comment: This variant is classified as likely benign based on ACMG/AMP sequence variant interpretation guidelines (Richards et al. 2015 PMID: 25741868, with internal and published modifications).

Blueprint Genetics
Classification: Likely benign. Last evaluated: 2024-08-12. Review status: criteria provided, single submitter. Criteria: ACMG Guidelines, 2015. Collection method: clinical testing. Allele origin: germline.

Ambry Genetics
Classification: Likely benign for Inborn genetic diseases. Last evaluated: 2017-06-15. Review status: criteria provided, single submitter. Criteria: Ambry Variant Classification Scheme 2023. Collection method: clinical testing. Allele origin: germline.

GeneDx
Classification: Benign. Last evaluated: 2015-04-29. Review status: criteria provided, single submitter. Criteria: GeneDx Variant Classification (06012015). Collection method: clinical testing. Allele origin: germline. Affected: yes.
Comment: This variant is considered likely benign or benign based on one or more of the following criteria: it is a conservative change, it occurs at a poorly conserved position in the protein, it is predicted to be benign by multiple in silico algorithms, and/or has population frequency not consistent with disease.